The following is an entry in ClinVar:

ClinVar aggregate classification (germline): Uncertain significance (1 of 4 stars; one submission).

Conditions:
Bloom syndrome (BLM). Also called: Bloom-Torre-Machacek syndrome. Identifiers: Orphanet 125, MedGen C0005859, MONDO:0008876, OMIM 210900.

Submission:

Labcorp Genetics (formerly Invitae), Labcorp
Classification: Uncertain significance for Bloom syndrome. Last evaluated: 2020-02-22. Review status: criteria provided, single submitter. Criteria: Invitae Variant Classification Sherloc (09022015). Collection method: clinical testing. Allele origin: germline.
Comment: This variant has not been reported in the literature in individuals with BLM-related conditions. This variant is not present in population databases (ExAC no frequency). This sequence change replaces glutamic acid with glutamine at codon 413 of the BLM protein (p.Glu413Gln). The glutamic acid residue is weakly conserved and there is a small physicochemical difference between glutamic acid and glutamine. Algorithms developed to predict the effect of missense changes on protein structure and function (SIFT, PolyPhen-2, Align-GVGD) all suggest that this variant is likely to be tolerated, but these predictions have not been confirmed by published functional studies and their clinical significance is uncertain. In summary, the available evidence is currently insufficient to determine the role of this variant in disease. Therefore, it has been classified as a Variant of Uncertain Significance.

NM_000057.4(BLM):c.1237G>C (p.Glu413Gln)

Gene: BLM (BLM RecQ like helicase; plus strand). Cytogenetic location: 15q26.1.
Variant type: single nucleotide variant.
Coding change: c.1237G>C on transcript NM_000057.4 (MANE Select); coding-DNA position 1237, G replaced by C.
Protein change: p.Glu413Gln; replaces glutamic acid 413 with glutamine.
Molecular consequence: missense variant.
Genome position (GRCh38, 1-based): chr15:90,760,610, G>C. VCF-style: chr15-90760610-G-C. GRCh37 (hg19) VCF-style: chr15-91303840-G-C.
Other names: c.1237G>C, p.Glu413Gln (NM_001287246.2, NM_001287247.2); c.112G>C, p.Glu38Gln (NM_001287248.2); short protein forms E38Q, E413Q.
Identifiers: ClinVar variation 1052234 (VCV001052234.10), dbSNP rs887921909, ClinGen allele CA393842619.
Genomic context (GRCh38, chr15:90,760,610, plus strand): 5'-TAAACTACTTATATTTAATACGTTGTTCTCTTTTCTCTCTTCAGAAGGAAACTTCTAACG[G>C]AAGTAGATTTTAATAAAAGTGATGCCAGTCTTCTTGGCTCATTGTGGAGATACAGGCCTG-3'
Protein context (NP_000048.1, residues 403-423): QRNIRRKLLT[Glu413Gln]VDFNKSDASL